The following is an entry in ClinVar:

ClinVar aggregate classification (germline): Uncertain significance (1 of 4 stars; one submission).

Submission:

Ambry Genetics
Classification: Uncertain significance. Last evaluated: 2024-03-16. Review status: criteria provided, single submitter. Criteria: Ambry Variant Classification Scheme 2023. Collection method: clinical testing. Allele origin: germline.
Comment: The p.H202Y variant (also known as c.604C>T), located in coding exon 7 of the NPAT gene, results from a C to T substitution at nucleotide position 604. The histidine at codon 202 is replaced by tyrosine, an amino acid with similar properties. This amino acid position is conserved. In addition, this alteration is predicted to be tolerated by in silico analysis. Based on the available evidence, the clinical significance of this alteration remains unclear.

NM_002519.3(NPAT):c.604C>T (p.His202Tyr)

Gene: NPAT (nuclear protein, coactivator of histone transcription; minus strand). Cytogenetic location: 11q22.3.
Variant type: single nucleotide variant.
Coding change: c.604C>T on transcript NM_002519.3 (MANE Select); coding-DNA position 604, C replaced by T.
Protein change: p.His202Tyr; replaces histidine 202 with tyrosine.
Molecular consequence: missense variant.
Genome position (GRCh38, 1-based): chr11:108,188,132, G>A on the plus strand (C>T on the coding strand, the complement: NPAT is on the minus strand). VCF-style: chr11-108188132-G-A. GRCh37 (hg19) VCF-style: chr11-108058859-G-A.
Other names: c.604C>T, p.His202Tyr (NM_001321307.1); short protein forms H202Y.
Identifiers: ClinVar variation 3300619 (VCV003300619.1).
Genomic context (GRCh38, chr11:108,188,132, plus strand): 5'-ACTTGTCTCTTTTAAAAAGCATTTACCTTTTGCGTCTACCGGGAGACATTAAACTGGCAT[G>A]TGCTTTCTTTTCCTGAGCACCAGGAATGACATTTAAAGCTTCTCCAGCTGTATTTCAAGA-3'
Protein context (NP_002510.2, residues 192-212): VIPGAQEKKA[His202Tyr]ASLMSPGRRK